The following is an entry in ClinVar:

NM_212482.4(FN1):c.5723C>T (p.Pro1908Leu)

Gene: FN1 (fibronectin 1; minus strand). Cytogenetic location: 2q35.
Variant type: single nucleotide variant.
Coding change: c.5723C>T on transcript NM_212482.4 (MANE Select); coding-DNA position 5723, C replaced by T.
Protein change: p.Pro1908Leu; replaces proline 1908 with leucine.
Molecular consequence: missense variant.
Genome position (GRCh38, 1-based): chr2:215,376,662, G>A on the plus strand (C>T on the coding strand, the complement: FN1 is on the minus strand). VCF-style: chr2-215376662-G-A. GRCh37 (hg19) VCF-style: chr2-216241385-G-A.
Other names: c.5723C>T, p.Pro1908Leu (NM_001306129.2); c.5453C>T, p.Pro1818Leu (NM_001306130.2, NM_001365517.2, NM_001365519.2 and 2 more transcripts); c.5180C>T, p.Pro1727Leu (NM_001306131.2, NM_001306132.2, NM_001365523.2 and 2 more transcripts); c.5450C>T, p.Pro1817Leu (NM_001365518.2, NM_001365520.2, NM_001365524.2 and 2 more transcripts); short protein forms P1727L, P1818L, P1817L, P1908L.
Identifiers: ClinVar variation 3644626 (VCV003644626.2).

ClinVar aggregate classification (germline): Uncertain significance (1 of 4 stars; one submission).

Submission:

Labcorp Genetics (formerly Invitae), Labcorp
Classification: Uncertain significance. Last evaluated: 2024-03-05. Review status: criteria provided, single submitter. Criteria: Invitae Variant Classification Sherloc (09022015). Collection method: clinical testing. Allele origin: germline.
Comment: This sequence change replaces proline, which is neutral and non-polar, with leucine, which is neutral and non-polar, at codon 1908 of the FN1 protein (p.Pro1908Leu). This variant is not present in population databases (gnomAD no frequency). This variant has not been reported in the literature in individuals affected with FN1-related conditions. An algorithm developed to predict the effect of missense changes on protein structure and function (PolyPhen-2) suggests that this variant is likely to be disruptive. In summary, the available evidence is currently insufficient to determine the role of this variant in disease. Therefore, it has been classified as a Variant of Uncertain Significance.